The following is an entry in ClinVar:

NM_002439.5(MSH3):c.598C>T (p.Leu200Phe)

Gene: MSH3 (mutS homolog 3; plus strand). Cytogenetic location: 5q14.1.
Variant type: single nucleotide variant.
Coding change: c.598C>T on transcript NM_002439.5 (MANE Select); coding-DNA position 598, C replaced by T.
Protein change: p.Leu200Phe; replaces leucine 200 with phenylalanine.
Molecular consequence: missense variant.
Genome position (GRCh38, 1-based): chr5:80,670,115, C>T. VCF-style: chr5-80670115-C-T. GRCh37 (hg19) VCF-style: chr5-79965934-C-T.
Other names: short protein forms L200F.
Identifiers: ClinVar variation 3222305 (VCV003222305.1), dbSNP rs1580550120, ClinGen allele CA360265912.

ClinVar aggregate classification (germline): Uncertain significance (1 of 4 stars; one submission).

Conditions:
Hereditary cancer-predisposing syndrome. Also called: Tumor predisposition; Hereditary neoplastic syndrome; Hereditary Cancer Syndrome; Neoplastic Syndromes, Hereditary. Identifiers: Orphanet 140162, MedGen C0027672, MeSH D009386, MONDO:0015356.

Submission:

Ambry Genetics
Classification: Uncertain significance for Hereditary cancer-predisposing syndrome. Last evaluated: 2024-03-13. Review status: criteria provided, single submitter. Criteria: Ambry Variant Classification Scheme 2023. Collection method: clinical testing. Allele origin: germline.
Comment: The p.L200F variant (also known as c.598C>T), located in coding exon 4 of the MSH3 gene, results from a C to T substitution at nucleotide position 598. The leucine at codon 200 is replaced by phenylalanine, an amino acid with highly similar properties. This amino acid position is conserved. In addition, this alteration is predicted to be tolerated by in silico analysis. Based on the available evidence, the clinical significance of this alteration remains unclear.